The following is an entry in ClinVar:

ClinVar aggregate classification (germline): Uncertain significance (1 of 4 stars; one submission).

Allele frequency attached by ClinVar (database versions not stated): gnomAD exomes below 0.00001 and 0.00001.
gnomAD v4.1: 6 of 1,550,004 alleles (0.00039%); highest among the groups gnomAD compares: South Asian, 0.0071%; no homozygotes.

Submission:

GeneDx
Classification: Uncertain significance. Last evaluated: 2020-10-16. Review status: criteria provided, single submitter. Criteria: GeneDx Variant Classification Process June 2021. Collection method: clinical testing. Allele origin: germline. Affected: yes.
Comment: Not observed at a significant frequency in large population cohorts (Lek et al., 2016); In silico analysis supports that this missense variant does not alter protein structure/function; Has not been previously published as pathogenic or benign to our knowledge

NM_001367624.2(ZNF469):c.1619G>A (p.Ser540Asn)

Gene: ZNF469 (zinc finger protein 469; plus strand). Cytogenetic location: 16q24.2.
Variant type: single nucleotide variant.
Coding change: c.1619G>A on transcript NM_001367624.2 (MANE Select); coding-DNA position 1619, G replaced by A.
Protein change: p.Ser540Asn; replaces serine 540 with asparagine.
Molecular consequence: missense variant.
Genome position (GRCh38, 1-based): chr16:88,429,089, G>A. VCF-style: chr16-88429089-G-A. GRCh37 (hg19) VCF-style: chr16-88495497-G-A.
Other names: NM_001127464.1:c.1619G>A; short protein forms S540N.
Identifiers: ClinVar variation 1313412 (VCV001313412.2), dbSNP rs1333563231, ClinGen allele CA397067927.
Genomic context (GRCh38, chr16:88,429,089, plus strand): 5'-CCCTGGGCACTGCTGGCAAGACACCGGGACCCAGAGAGAAGCTGCCAGCCGTGAGAAGCA[G>A]CCAGGGCGGCTCCCCAGCACTGTTCACCTACAACGGAATGACAGACCCTGGGGCTCAGCC-3'
Protein context (NP_001354553.1, residues 530-550): PREKLPAVRS[Ser540Asn]QGGSPALFTY